The following is an entry in ClinVar:

NM_001430.5(EPAS1):c.490A>G (p.Thr164Ala)

Genes: EPAS1 (endothelial PAS domain protein 1; plus strand), LOC126806210 (BRD4-independent group 4 enhancer GRCh37_chr2:46587586-46588785; plus strand). Cytogenetic location: 2p21.
Variant type: single nucleotide variant.
Coding change: c.490A>G on transcript NM_001430.5 (MANE Select); coding-DNA position 490, A replaced by G.
Protein change: p.Thr164Ala; replaces threonine 164 with alanine.
Molecular consequence: missense variant.
Genome position (GRCh38, 1-based): chr2:46,360,673, A>G. VCF-style: chr2-46360673-A-G. GRCh37 (hg19) VCF-style: chr2-46587812-A-G.
Other names: short protein forms T164A.
Identifiers: ClinVar variation 1744022 (VCV001744022.2), dbSNP rs2103636040, ClinGen allele CA346699073.

ClinVar aggregate classification (germline): Uncertain significance (1 of 4 stars; one submission).

Conditions:
Inborn genetic diseases. Identifiers: MedGen C0950123, MeSH D030342.

Allele frequency attached by ClinVar (database versions not stated): gnomAD exomes below 0.00001.
gnomAD v4.1: 1 of 1,614,028 alleles (0.000062%); highest among the groups gnomAD compares: Non-Finnish European, 0.000085%; no homozygotes.

Submission:

Ambry Genetics
Classification: Uncertain significance for Inborn genetic diseases. Last evaluated: 2021-06-30. Review status: criteria provided, single submitter. Criteria: Ambry Variant Classification Scheme 2023. Collection method: clinical testing. Allele origin: germline.
Comment: The p.T164A variant (also known as c.490A>G), located in coding exon 5 of the EPAS1 gene, results from an A to G substitution at nucleotide position 490. The threonine at codon 164 is replaced by alanine, an amino acid with similar properties. This amino acid position is conserved. In addition, this alteration is predicted to be tolerated by in silico analysis. Since supporting evidence is limited at this time, the clinical significance of this alteration remains unclear.